The following is an entry in ClinVar:

NM_001083614.2(EARS2):c.1287A>T (p.Ala429=)

Gene: EARS2 (glutamyl-tRNA synthetase 2, mitochondrial; minus strand). Cytogenetic location: 16p12.2.
Variant type: single nucleotide variant.
Coding change: c.1287A>T on transcript NM_001083614.2 (MANE Select); coding-DNA position 1287, A replaced by T.
Protein change: p.Ala429=; no amino-acid change (alanine 429 retained).
Molecular consequence: synonymous variant. On other transcripts: non-coding transcript variant (1).
Genome position (GRCh38, 1-based): chr16:23,529,567, T>A on the plus strand (A>T on the coding strand, the complement: EARS2 is on the minus strand). VCF-style: chr16-23529567-T-A. GRCh37 (hg19) VCF-style: chr16-23540888-T-A.
Other names: c.1287A>T, p.Ala429= (NM_001308211.1, NM_133451.1).
Identifiers: ClinVar variation 2179920 (VCV002179920.2), dbSNP rs374785094, ClinGen allele CA7962358.

ClinVar aggregate classification (germline): Uncertain significance (1 of 4 stars; one submission).

Allele frequency attached by ClinVar (database versions not stated): gnomAD 0.00003; ExAC 0.00006; ESP Exome Variant Server 0.00008.
gnomAD v4.1: 77 of 1,614,042 alleles (0.0048%); highest among the groups gnomAD compares: Non-Finnish European, 0.0064%; no homozygotes.

Submission:

Labcorp Genetics (formerly Invitae), Labcorp
Classification: Uncertain significance. Last evaluated: 2022-05-25. Review status: criteria provided, single submitter. Criteria: Invitae Variant Classification Sherloc (09022015). Collection method: clinical testing. Allele origin: germline.
Comment: In summary, the available evidence is currently insufficient to determine the role of this variant in disease. Therefore, it has been classified as a Variant of Uncertain Significance. Algorithms developed to predict the effect of sequence changes on RNA splicing suggest that this variant may create or strengthen a splice site. This variant has not been reported in the literature in individuals affected with EARS2-related conditions. This variant is present in population databases (rs374785094, gnomAD 0.009%). This sequence change affects codon 429 of the EARS2 mRNA. It is a 'silent' change, meaning that it does not change the encoded amino acid sequence of the EARS2 protein.